The following is an entry in ClinVar:

NM_012186.3(FOXE3):c.838C>T (p.Pro280Ser)

Genes: FOXE3 (forkhead box E3; plus strand), LINC01389 (long independently transcribed non-coding RNA 1389; minus strand). Cytogenetic location: 1p33.
Variant type: single nucleotide variant.
Coding change: c.838C>T on transcript NM_012186.3 (MANE Select); coding-DNA position 838, C replaced by T.
Protein change: p.Pro280Ser; replaces proline 280 with serine.
Molecular consequence: missense variant.
Genome position (GRCh38, 1-based): chr1:47,417,153, C>T. VCF-style: chr1-47417153-C-T. GRCh37 (hg19) VCF-style: chr1-47882825-C-T.
Other names: short protein forms P280S.
Identifiers: ClinVar variation 836896 (VCV000836896.13), dbSNP rs994486517, ClinGen allele CA22069374.

ClinVar aggregate classification (germline): Uncertain significance. Review status: criteria provided, multiple submitters, no conflicts (2 of 4 stars). 4 submissions from 4 submitters: Uncertain significance (4). Last evaluated 2025-08-06.

Conditions:
FOXE3-related disorder. Also called: FOXE3-related condition.
Cardiovascular phenotype. Identifiers: MedGen CN230736.
Anterior segment dysgenesis. Also called: Ocular anterior segment dysgenesis. Identifiers: Orphanet 88632, MedGen C1862839, MONDO:0019503, HP:0007700.
Congenital primary aphakia. Also called: ANTERIOR SEGMENT DYSGENESIS 2; Anterior segment dysgenesis 2, multiple subtypes. Identifiers: Orphanet 83461, MedGen C1853230, MONDO:0012456, OMIM 610256.

Allele frequency attached by ClinVar (database versions not stated): gnomAD 0.00004; gnomAD exomes 0.00004; TOPMed 0.00004.

Submissions (4):

Labcorp Genetics (formerly Invitae), Labcorp
Classification: Uncertain significance for Anterior segment dysgenesis; Congenital primary aphakia. Last evaluated: 2025-08-06. Review status: criteria provided, single submitter. Criteria: Invitae Variant Classification Sherloc (09022015). Collection method: clinical testing. Allele origin: germline.
Comment: This sequence change replaces proline, which is neutral and non-polar, with serine, which is neutral and polar, at codon 280 of the FOXE3 protein (p.Pro280Ser). This variant is present in population databases (no rsID available, gnomAD 0.009%). This variant has not been reported in the literature in individuals affected with FOXE3-related conditions. ClinVar contains an entry for this variant (Variation ID: 836896). An algorithm developed to predict the effect of missense changes on protein structure and function (PolyPhen-2) suggests that this variant is likely to be tolerated. In summary, the available evidence is currently insufficient to determine the role of this variant in disease. Therefore, it has been classified as a Variant of Uncertain Significance.

PreventionGenetics, part of Exact Sciences
Classification: Uncertain significance for FOXE3-related condition. Last evaluated: 2025-03-10. Review status: criteria provided, single submitter. Criteria: ACMG Guidelines, 2015. Collection method: clinical testing. Allele origin: germline.
Comment: The FOXE3 c.838C>T variant is predicted to result in the amino acid substitution p.Pro280Ser. To our knowledge, this variant has not been reported in the literature. This variant is reported in 0.0092% of alleles in individuals of European (Non-Finnish) descent in gnomAD. At this time, the clinical significance of this variant is uncertain due to the absence of conclusive functional and genetic evidence.

Ambry Genetics
Classification: Uncertain significance for Cardiovascular phenotype. Last evaluated: 2024-10-28. Review status: criteria provided, single submitter. Criteria: Ambry Variant Classification Scheme 2023. Collection method: clinical testing. Allele origin: germline.
Comment: The p.P280S variant (also known as c.838C>T), located in coding exon 1 of the FOXE3 gene, results from a C to T substitution at nucleotide position 838. The proline at codon 280 is replaced by serine, an amino acid with similar properties. This amino acid position is not well conserved in available vertebrate species. In addition, this alteration is predicted to be tolerated by in silico analysis. Based on the available evidence, the clinical significance of this variant remains unclear.

Blueprint Genetics
Classification: Uncertain significance. Last evaluated: 2023-08-21. Review status: criteria provided, single submitter. Criteria: ACMG Guidelines, 2015. Collection method: clinical testing. Allele origin: germline.